The following is an entry in ClinVar:

ClinVar aggregate classification (germline): Uncertain significance. Review status: criteria provided, multiple submitters, no conflicts (2 of 4 stars). 4 submissions from 4 submitters: Uncertain significance (4). Last evaluated 2025-07-21.

Conditions:
Muscular dystrophy, limb-girdle, autosomal dominant 4. Also called: Calpain-3-related limb-girdle muscular dystrophy D4; MUSCULAR DYSTROPHY, LIMB-GIRDLE, TYPE 1I. Identifiers: Orphanet 565909, MedGen C4748295, MONDO:0029133, OMIM 618129.
Autosomal recessive limb-girdle muscular dystrophy type 2A (LGMDR1). Also called: Calpainopathy; MUSCULAR DYSTROPHY, PELVOFEMORAL; Limb-girdle muscular dystrophy, type 2A; Muscular dystrophy, limb-girdle, type 2A, Amish; LEYDEN-MOEBIUS MUSCULAR DYSTROPHY. Identifiers: Orphanet 267, MedGen C1869123, MONDO:0009675, OMIM 253600. Disease mechanism: loss of function.

Allele frequency attached by ClinVar (database versions not stated): TOPMed 0.00007; ESP Exome Variant Server 0.00015.
gnomAD v4.1: 64 of 1,613,102 alleles (0.004%); highest among the groups gnomAD compares: Non-Finnish European, 0.0052%; no homozygotes.

Submissions (4):

Revvity Omics, Revvity
Classification: Uncertain significance. Last evaluated: 2025-07-21. Review status: criteria provided, single submitter. Criteria: ACMG Guidelines, 2015. Collection method: clinical testing. Allele origin: germline.

Labcorp Genetics (formerly Invitae), Labcorp
Classification: Uncertain significance for Autosomal recessive limb-girdle muscular dystrophy type 2A. Last evaluated: 2024-05-25. Review status: criteria provided, single submitter. Criteria: Invitae Variant Classification Sherloc (09022015). Collection method: clinical testing. Allele origin: germline.
Comment: This sequence change replaces isoleucine, which is neutral and non-polar, with valine, which is neutral and non-polar, at codon 506 of the CAPN3 protein (p.Ile506Val). This variant is present in population databases (rs140828326, gnomAD 0.007%). This variant has not been reported in the literature in individuals affected with CAPN3-related conditions. ClinVar contains an entry for this variant (Variation ID: 286601). Advanced modeling of protein sequence and biophysical properties (such as structural, functional, and spatial information, amino acid conservation, physicochemical variation, residue mobility, and thermodynamic stability) performed at Invitae indicates that this missense variant is not expected to disrupt CAPN3 protein function with a negative predictive value of 80%. In summary, the available evidence is currently insufficient to determine the role of this variant in disease. Therefore, it has been classified as a Variant of Uncertain Significance.

Centre for Mendelian Genomics, University Medical Centre Ljubljana
Classification: Uncertain significance for Muscular dystrophy, limb-girdle, autosomal dominant 4. Last evaluated: 2020-02-12. Review status: criteria provided, single submitter. Criteria: ACMG Guidelines, 2015. Collection method: clinical testing. Allele origin: unknown. Affected: yes.
Comment: This variant was classified as: Uncertain significance. The available evidence on this variant's pathogenicity is insufficient or conflicting. The following ACMG criteria were applied in classifying this variant: PM2.

Eurofins Ntd Llc (ga)
Classification: Uncertain significance. Last evaluated: 2016-03-16. Review status: criteria provided, single submitter. Criteria: EGL Classification Definitions 2015. Collection method: clinical testing. Allele origin: germline. Observed: 1 variant allele, 1 heterozygote.

NM_000070.3(CAPN3):c.1516A>G (p.Ile506Val)

Gene: CAPN3 (calpain 3; plus strand). Cytogenetic location: 15q15.1.
Variant type: single nucleotide variant.
Coding change: c.1516A>G on transcript NM_000070.3 (MANE Select); coding-DNA position 1516, A replaced by G.
Protein change: p.Ile506Val; replaces isoleucine 506 with valine.
Molecular consequence: missense variant.
Genome position (GRCh38, 1-based): chr15:42,401,802, A>G. VCF-style: chr15-42401802-A-G. GRCh37 (hg19) VCF-style: chr15-42694000-A-G.
Other names: c.1516A>G, p.Ile506Val (NM_024344.2); c.1372A>G, p.Ile458Val (NM_173087.2); short protein forms I506V, I458V.
Identifiers: ClinVar variation 286601 (VCV000286601.11), dbSNP rs140828326, ClinGen allele CA7511379.